The following is an entry in ClinVar:

ClinVar aggregate classification (germline): Uncertain significance. Review status: criteria provided, multiple submitters, no conflicts (2 of 4 stars). 2 submissions from 2 submitters: Uncertain significance (2). Last evaluated 2026-06-14.

Allele frequency attached by ClinVar (database versions not stated): gnomAD exomes below 0.00001.
gnomAD v4.1: 1 of 1,611,028 alleles (0.000062%); highest among the groups gnomAD compares: Non-Finnish European, 0.000085%; no homozygotes.

Submissions (2):

GeneDx
Classification: Uncertain significance. Last evaluated: 2026-06-14. Review status: criteria provided, single submitter. Criteria: GeneDx Variant Classification Process June 2021. Collection method: clinical testing. Allele origin: germline.
Comment: Not observed at significant frequency in large population cohorts (gnomAD); In silico analysis suggests that this missense variant does not alter protein structure/function; Has not been previously published as pathogenic or benign to our knowledge

Labcorp Genetics (formerly Invitae), Labcorp
Classification: Uncertain significance. Last evaluated: 2021-09-04. Review status: criteria provided, single submitter. Criteria: Invitae Variant Classification Sherloc (09022015). Collection method: clinical testing. Allele origin: germline.
Comment: This sequence change replaces arginine with lysine at codon 1887 of the CACNA1E protein (p.Arg1887Lys). The arginine residue is highly conserved and there is a small physicochemical difference between arginine and lysine. This variant is not present in population databases (ExAC no frequency). This variant has not been reported in the literature in individuals affected with CACNA1E-related conditions. Advanced modeling of protein sequence and biophysical properties (such as structural, functional, and spatial information, amino acid conservation, physicochemical variation, residue mobility, and thermodynamic stability) performed at Invitae indicates that this missense variant is not expected to disrupt CACNA1E protein function. In summary, the available evidence is currently insufficient to determine the role of this variant in disease. Therefore, it has been classified as a Variant of Uncertain Significance.

NM_001205293.3(CACNA1E):c.5660G>A (p.Arg1887Lys)

Gene: CACNA1E (calcium voltage-gated channel subunit alpha1 E; plus strand). Cytogenetic location: 1q25.3.
Variant type: single nucleotide variant.
Coding change: c.5660G>A on transcript NM_001205293.3 (MANE Select); coding-DNA position 5660, G replaced by A.
Protein change: p.Arg1887Lys; replaces arginine 1887 with lysine.
Molecular consequence: missense variant.
Genome position (GRCh38, 1-based): chr1:181,785,399, G>A. VCF-style: chr1-181785399-G-A. GRCh37 (hg19) VCF-style: chr1-181754535-G-A.
Other names: c.5660G>A (NM_000721.3); c.5660G>A, p.Arg1887Lys (NM_000721.4); c.5603G>A, p.Arg1868Lys (NM_001205294.2); short protein forms R1887K, R1868K.
Identifiers: ClinVar variation 1517432 (VCV001517432.8), dbSNP rs2102845356, ClinGen allele CA343631573.